The following is an entry in ClinVar:

ClinVar aggregate classification (germline): Pathogenic (1 of 4 stars; one submission).

Submission:

Labcorp Genetics (formerly Invitae), Labcorp
Classification: Pathogenic. Last evaluated: 2022-03-19. Review status: criteria provided, single submitter. Criteria: Invitae Variant Classification Sherloc (09022015). Collection method: clinical testing. Allele origin: germline.
Comment: This sequence change creates a premature translational stop signal (p.Tyr267*) in the PUS1 gene. It is expected to result in an absent or disrupted protein product. Loss-of-function variants in PUS1 are known to be pathogenic (PMID: 17056637, 19731322, 25058219, 26556812). This variant has not been reported in the literature in individuals affected with PUS1-related conditions. This variant is not present in population databases (gnomAD no frequency). ClinVar contains an entry for this variant (Variation ID: 840012). For these reasons, this variant has been classified as Pathogenic.

Literature cited by the submitters: PubMed 17056637; PubMed 19731322; PubMed 25058219; PubMed 26556812.

NM_025215.6(PUS1):c.801C>G (p.Tyr267Ter)

Gene: PUS1 (pseudouridine synthase 1; plus strand). Cytogenetic location: 12q24.33.
Variant type: single nucleotide variant.
Coding change: c.801C>G on transcript NM_025215.6 (MANE Select); coding-DNA position 801, C replaced by G.
Protein change: p.Tyr267Ter; replaces tyrosine 267 with a stop codon.
Molecular consequence: nonsense.
Genome position (GRCh38, 1-based): chr12:131,941,548, C>G. VCF-style: chr12-131941548-C-G. GRCh37 (hg19) VCF-style: chr12-132426093-C-G.
Other names: c.717C>G, p.Tyr239Ter (NM_001002019.3, NM_001002020.3); short protein forms Y239*, Y267*.
Identifiers: ClinVar variation 840012 (VCV000840012.7), dbSNP rs1891068271, ClinGen allele CA387299211.